The following is an entry in ClinVar:

ClinVar aggregate classification (germline): Uncertain significance. Review status: criteria provided, multiple submitters, no conflicts (2 of 4 stars). 5 submissions from 5 submitters: Uncertain significance (5). Last evaluated 2026-02-20.

Conditions:
Cardiovascular phenotype. Identifiers: MedGen CN230736.
Cardiomyopathy (CMYO). Also called: Cardiomyopathies. Identifiers: Orphanet 167848, MedGen C0878544, MONDO:0004994, HP:0001638. Inheritance: Various modes of inheritance.
Lethal congenital glycogen storage disease of heart. Also called: GLYCOGEN STORAGE DISEASE OF HEART; PHOSPHORYLASE KINASE DEFICIENCY OF HEART. Identifiers: Orphanet 439854, MedGen C1849813, MONDO:0009867, OMIM 261740.

Allele frequency attached by ClinVar (database versions not stated): TOPMed 0.00001.

Submissions (5):

Women's Health and Genetics/Laboratory Corporation of America, LabCorp
Classification: Uncertain significance. Last evaluated: 2026-02-20. Review status: criteria provided, single submitter. Criteria: LabCorp Variant Classification Summary - May 2015. Collection method: clinical testing. Allele origin: germline.
Comment: Variant summary: PRKAG2 c.1049G>A (p.Arg350Lys) results in a conservative amino acid change in the encoded protein sequence. Algorithms developed to predict the effect of missense changes on protein structure and function are either unavailable or do not agree on the potential impact of this missense change. Consensus agreement among computation tools predict no significant impact on normal splicing. However, these predictions have yet to be confirmed by functional studies. The variant was absent in 249822 control chromosomes. The available data on variant occurrences in the general population are insufficient to allow any conclusion about variant significance. To our knowledge, no occurrence of c.1049G>A in individuals affected with PRKAG2-related conditions and no experimental evidence demonstrating its impact on protein function have been reported. ClinVar contains an entry for this variant (Variation ID: 533876). Based on the evidence outlined above, the variant was classified as uncertain significance.

Color Diagnostics, LLC DBA Color Health
Classification: Uncertain significance for Cardiomyopathy. Last evaluated: 2024-01-29. Review status: criteria provided, single submitter. Criteria: ACMG Guidelines, 2015. Collection method: clinical testing. Allele origin: germline.
Comment: This missense variant replaces arginine with lysine at codon 350 of the PRKAG2 protein. Computational prediction suggests that this variant may have deleterious impact on protein structure and function. To our knowledge, functional studies have not been reported for this variant. This variant has not been reported in individuals affected with PRKAG2-related disorders in the literature. This variant has been identified in 1/31370 chromosomes in the general population by the Genome Aggregation Database (gnomAD). The available evidence is insufficient to determine the role of this variant in disease conclusively. Therefore, this variant is classified as a Variant of Uncertain Significance.

Labcorp Genetics (formerly Invitae), Labcorp
Classification: Uncertain significance for Lethal congenital glycogen storage disease of heart. Last evaluated: 2023-04-11. Review status: criteria provided, single submitter. Criteria: Invitae Variant Classification Sherloc (09022015). Collection method: clinical testing. Allele origin: germline.
Comment: ClinVar contains an entry for this variant (Variation ID: 533876). In summary, the available evidence is currently insufficient to determine the role of this variant in disease. Therefore, it has been classified as a Variant of Uncertain Significance. An algorithm developed to predict the effect of missense changes on protein structure and function (PolyPhen-2) suggests that this variant is likely to be tolerated. This variant has not been reported in the literature in individuals affected with PRKAG2-related conditions. This variant is present in population databases (no rsID available, gnomAD 0.007%). This sequence change replaces arginine, which is basic and polar, with lysine, which is basic and polar, at codon 350 of the PRKAG2 protein (p.Arg350Lys).

Ambry Genetics
Classification: Uncertain significance for Cardiovascular phenotype. Last evaluated: 2022-07-06. Review status: criteria provided, single submitter. Criteria: Ambry Variant Classification Scheme 2023. Collection method: clinical testing. Allele origin: germline.
Comment: The p.R350K variant (also known as c.1049G>A), located in coding exon 9 of the PRKAG2 gene, results from a G to A substitution at nucleotide position 1049. The arginine at codon 350 is replaced by lysine, an amino acid with highly similar properties. This amino acid position is conserved. In addition, this alteration is predicted to be deleterious by in silico analysis. Since supporting evidence is limited at this time, the clinical significance of this alteration remains unclear.

Revvity Omics, Revvity
Classification: Uncertain significance. Last evaluated: 2019-04-12. Review status: criteria provided, single submitter. Criteria: ACMG Guidelines, 2015. Collection method: clinical testing. Allele origin: germline.

NM_016203.4(PRKAG2):c.1049G>A (p.Arg350Lys)

Gene: PRKAG2 (protein kinase AMP-activated non-catalytic subunit gamma 2; minus strand). Cytogenetic location: 7q36.1.
Variant type: single nucleotide variant.
Coding change: c.1049G>A on transcript NM_016203.4 (MANE Select); coding-DNA position 1049, G replaced by A.
Protein change: p.Arg350Lys; replaces arginine 350 with lysine.
Molecular consequence: missense variant.
Genome position (GRCh38, 1-based): chr7:151,572,666, C>T on the plus strand (G>A on the coding strand, the complement: PRKAG2 is on the minus strand). VCF-style: chr7-151572666-C-T. GRCh37 (hg19) VCF-style: chr7-151269752-C-T.
Other names: c.917G>A, p.Arg306Lys (NM_001040633.2); c.674G>A, p.Arg225Lys (NM_001304527.2); c.326G>A, p.Arg109Lys (NM_001304531.2, NM_024429.2); c.677G>A, p.Arg226Lys (NM_001363698.2); short protein forms R350K, R306K, R109K, R225K, R226K.
Identifiers: ClinVar variation 533876 (VCV000533876.13), dbSNP rs1330644534, ClinGen allele CA370072098.